The following is an entry in ClinVar:

ClinVar aggregate classification (germline): Pathogenic. Review status: reviewed by expert panel (3 of 4 stars). 35 submissions from 34 submitters: Pathogenic (1). 34 of the submissions do not count toward it. Last evaluated 2018-09-20.

Conditions:
SLC26A4-related disorder. Also called: SLC26A4-related condition; SLC26A4-related disorders.
Rare genetic deafness. Identifiers: Orphanet 96210, MedGen C5680250.
Pendred syndrome (PDS). Also called: Pendred's syndrome; Pendred Syndrome (PDS); THYROID DYSHORMONOGENESIS 2B; THYROID HORMONOGENESIS, GENETIC DEFECT IN, 2B; DEAFNESS WITH GOITER; GOITER-DEAFNESS SYNDROME. Identifiers: Orphanet 705, MedGen C0271829, MONDO:0010134, OMIM 274600.
Autosomal recessive nonsyndromic hearing loss 4 (DFNB4). Also called: DEAFNESS, AUTOSOMAL RECESSIVE 4, WITH ENLARGED VESTIBULAR AQUEDUCT, DIGENIC; Nonsyndromic enlarged vestibular aqueduct (NSEVA); Deafness, autosomal recessive 4; Deafness, autosomal recessive 4, with enlarged vestibular aqueduct; FOXI1-Related Pendred Syndrome; KCNJ10-Related Pendred Syndrome. Identifiers: Orphanet 90636, MedGen C3538946, MONDO:0010933, OMIM 600791.
Hearing loss, autosomal recessive. Also called: Nonsyndromic Hearing Loss, Recessive; Deafness, autosomal recessive; Autosomal recessive nonsyndromic deafness; Rare autosomal recessive non-syndromic sensorineural deafness type DFNB. Identifiers: Orphanet 90635, Orphanet 90636, MedGen C1846647, MONDO:0019588, OMIM 607197.

Allele frequency attached by ClinVar (database versions not stated): gnomAD exomes 0.00007 and 0.00036; gnomAD 0.00018 and 0.00019; TOPMed 0.00028; ExAC 0.00031.

Submissions 1 to 7 of 35:

ClinGen Hearing Loss Variant Curation Expert Panel
Classification: Pathogenic for Pendred syndrome. Last evaluated: 2018-09-20. Review status: reviewed by expert panel. Criteria: ClinGen HL ACMG Specifications v1. Collection method: curation. Allele origin: germline. Inheritance: Autosomal recessive inheritance.
Comment: The filtering allele frequency of the c.919-2A>G variant in the SLC26A4 gene is 0.4% for East Asian chromosomes in the Genome Aggregation Database (91/18860 with 95% CI) , which meets the allele frequency threshold defined by the ClinGen Hearing Loss Expert Panel for considering strong evidence against pathogenicity for autosomal recessive hearing loss variants (BS1). However, the c.919-2A>G variant in SLC26A4 is predicted to cause the skipping of a biologically-relevant out-of-frame exon 8. This is then expected to lead to a truncated or absent protein in a gene in which loss-of-function is an established disease mechanism (PVS1; PMID: 30192042). Additionally, this variant has been detected in 16 patients with hearing loss in trans with more than 4 pathogenic variants (PM3_VeryStrong; PMID: 23151025). The c.919-2A>G variant in SLC26A4 has been reported to segregate with hearing loss in at least 6 family members (PP1_Strong; 10874637). Therefore, the BS1 code will not contribute to the overall classification. In summary, this variant meets criteria to be classified as pathogenic for autosomal recessive Pendred syndrome based on the ACMG/AMP criteria applied: PVS1, PP1_Strong, PM3_VeryStrong, BS1.

PreventionGenetics, part of Exact Sciences
Classification: Pathogenic for SLC26A4-related condition. Last evaluated: 2026-04-15. Review status: criteria provided, single submitter. Criteria: ACMG Guidelines, 2015. Collection method: clinical testing. Allele origin: germline. Not counted in ClinVar's aggregate classification.
Comment: The SLC26A4 c.919-2A>G variant is predicted to disrupt the AG splice acceptor site and interfere with normal splicing. This variant has been reported as causative for autosomal recessive Pendred syndrome and hearing loss with enlarged vestibular aqueducts (EVA) (described as c.1143-2A>G, Coucke et al. 1999. PubMed ID: 10874637; Yong et al. 2001. PubMed ID: 11502831; Li et al. 2012. PubMed ID: 23151025; described as IVS7A>G, Yang et al. 2005. PubMed ID: 15574297). This variant is reported in 0.51% of alleles in individuals of East Asian descent in gnomAD, and has been reported as the most common cause of deafness in East Asian populations (Li et al. 2012. PubMed ID: 23151025). RT-PCR experiments showed that this variant results in loss of exon 8 (Yang et al. 2005. PubMed ID: 15574297), and variants that disrupt the consensus splice acceptor site in SLC26A4 are expected to be pathogenic. This variant is interpreted as pathogenic.

Department of Otolaryngology Head and Neck Surgery, Hainan Hospital of the Chinese People’s Liberation Army General Hospital
Classification: Pathogenic for Autosomal recessive nonsyndromic hearing loss 4. Last evaluated: 2026-02-01. Review status: criteria provided, single submitter. Criteria: ACMG Guidelines, 2015. Collection method: clinical testing. Allele origin: germline. Affected: no. Observed: 20 variant alleles. Not counted in ClinVar's aggregate classification.
Comment: The SLC26A4 c.919-2A>G variant is a canonical splice site mutation and the most prevalent SLC26A4 pathogenic variant in East Asian populations, particularly in Chinese patients(Accession: VCV000004840.65) (Dai 2008, Li 2024). It is classified as pathogenic by the ClinGen Hearing Loss Expert Panel with ACMG criteria PVS1, PP1_Strong, PM3_VeryStrong, and BS1 (which is outweighed by stronger evidence) . The variant disrupts the acceptor splice site of intron 7, leading to exon 8 skipping and a truncated non-functional pendrin protein (PVS1; Tayoun 2018). It has been detected in trans with multiple pathogenic variants in affected individuals (PM3_VeryStrong;Li 2012) and segregates with hearing loss in families (PP1_Strong; Coucke 1999). In Chinese populations, significant differences exist between Han and ethnic minorities. (Li 2024). Haplotype analysis suggests a common founder origin shared between Tuvinian and Han Chinese carriers (Danilchenko 2023). In our cohort, heterozygous carriers are asymptomatic, supporting autosomal recessive inheritance.

Labcorp Genetics (formerly Invitae), Labcorp
Classification: Pathogenic. Last evaluated: 2026-01-20. Review status: criteria provided, single submitter. Criteria: Invitae Variant Classification Sherloc (09022015). Collection method: clinical testing. Allele origin: germline. Not counted in ClinVar's aggregate classification.
Comment: This sequence change affects an acceptor splice site in intron 7 of the SLC26A4 gene. RNA analysis indicates that disruption of this splice site induces altered splicing and may result in an absent or altered protein product. This variant is present in population databases (rs111033313, gnomAD 0.5%). Disruption of this splice site has been observed in individual(s) with Pendred syndrome or non-syndromic hearing loss (PMID: 10874637, 11502831). It is commonly reported in individuals of East Asian ancestry (PMID: 11502831, 16711435, 23958391, 24007330). This variant is also known as IVS8-2A>G and 1143-2A>G. ClinVar contains an entry for this variant (Variation ID: 4840). Studies have shown that disruption of this splice site results in skipping of exon 8, and produces a non-functional protein and/or introduces a premature termination codon (PMID: 15574297). For these reasons, this variant has been classified as Pathogenic.

Keimyung University Dongsan Hospital, Keimyung University School of Medicine
Classification: Pathogenic for Autosomal recessive nonsyndromic hearing loss 4. Last evaluated: 2025-11-25. Review status: criteria provided, single submitter. Criteria: ACMG Guidelines, 2015. Collection method: clinical testing. Allele origin: germline. Inheritance: Autosomal recessive inheritance. Affected: yes. Observed: 3 variant alleles, 3 compound heterozygotes. Clinical features observed: Hearing impairment (HP:0000365), Abnormal semicircular canal morphology (HP:0011380). Not counted in ClinVar's aggregate classification.
Comment: This splice acceptor variant (c.919-2A>G) in SLC26A4 is a well-established pathogenic variant associated with autosomal recessive enlarged vestibular aqueduct (EVA). It was identified in trans with another pathogenic variant (c.2168A>G) in affected siblings. Clinical features include bilateral EVA, sensorineural hearing loss, and vestibular symptoms. ACMG criteria: PVS1, PM2, PP1, PP4. Overall classification: Pathogenic.

Victorian Clinical Genetics Services, Murdoch Childrens Research Institute
Classification: Pathogenic for Pendred syndrome. Last evaluated: 2025-09-17. Review status: criteria provided, single submitter. Criteria: ACMG Guidelines, 2015. Collection method: clinical testing. Allele origin: germline. Affected: yes. Not counted in ClinVar's aggregate classification.
Comment: This variant is classified as Pathogenic. Evidence in support of pathogenic classification: Splice site variant proven to affect splicing of the transcript with a known effect on protein sequence. RNA analysis using patient cells showed an out-of-frame skipping of exon 8 which resulted in a frameshift and a premature termination codon, and subsequent nonsense-mediated decay of the resulting protein (PMID: 15574297); Variant is present in gnomAD <0.01 for a recessive condition (v2: 103 heterozygotes, 0 homozygotes); This variant has very strong previous evidence of pathogenicity in unrelated individuals. This variant has been reported in multiple individuals with non-syndromic enlarged vestibular aqueduct and Pendred syndrome (ClinVar, PMID: 25372295); Other NMD-predicted variants comparable to the one identified in this case have very strong previous evidence for pathogenicity (ClinVar, DECIPHER). Additional information: This variant is heterozygous; This gene is associated with autosomal recessive disease; Loss of function is a known mechanism of disease in this gene and is associated with deafness with enlarged vestibular aqueduct (MIM#600791) and Pendred syndrome (MIM#274600); Variants in this gene are known to have variable expressivity (PMID: 20301640); Inheritance information for this variant is not currently available in this individual.

Natera, Inc.
Classification: Pathogenic for Pendred syndrome. Last evaluated: 2025-09-14. Review status: criteria provided, single submitter. Criteria: Natera Variant Classification Schema (03/2026). Collection method: clinical testing. Allele origin: germline. Not counted in ClinVar's aggregate classification.
Comment: The c.919-2A>G variant in SLC26A4 is a canonical splice acceptor site variant predicted to affect pre-mRNA splicing, which may result in an abnormal transcript and altered protein product. This variant is expected to result in nonsense mediated decay, truncation, or a dysfunctional protein product. This variant is rare in the general population with a frequency below the threshold expected for the associated phenotype(s). This variant has been observed in one or more individuals affected with the associated recessive disease, as either homozygous or compound heterozygous with a second variant (PMID: 23151025). Given the available evidence, this variant is classified as Pathogenic.

NM_000441.2(SLC26A4):c.919-2A>G

Gene: SLC26A4 (solute carrier family 26 member 4; plus strand). Cytogenetic location: 7q22.3.
Variant type: single nucleotide variant.
Coding change: c.919-2A>G on transcript NM_000441.2 (MANE Select); the canonical splice acceptor site of the intron before coding-DNA position 919, A replaced by G.
Molecular consequence: splice acceptor variant.
Genome position (GRCh38, 1-based): chr7:107,683,453, A>G. VCF-style: chr7-107683453-A-G. GRCh37 (hg19) VCF-style: chr7-107323898-A-G.
Other names: IVS7-2A>G; IVS7AS, A-G, -2.
Identifiers: ClinVar variation 4840 (VCV000004840.72), dbSNP rs111033313, ClinGen allele CA261445.
Genomic context (GRCh38, chr7:107,683,453, plus strand): 5'-GGTTGACAAACAAGGAATTATTAAAACCAATGGAGTTTTTAACATCTTTTGTTTTATTTC[A>G]GACGATAATTGCTACTGCCATTTCATATGGAGCCAACCTGGAAAAAAATTACAATGCTGG-3'